The following is an entry in ClinVar:

ClinVar aggregate classification (germline): Benign/Likely benign. Review status: criteria provided, multiple submitters, no conflicts (2 of 4 stars). 9 submissions from 9 submitters: Benign (1); Likely benign (5). 3 of the submissions do not count toward it. Last evaluated 2026-08-01.

Conditions:
TTN-related disorder. Also called: TTN-related disorders; TTN-related condition; TTN-related disease.
Early-onset myopathy with fatal cardiomyopathy (CMYO5). Also called: CONGENITAL MYOPATHY 5 WITH CARDIOMYOPATHY; Salih Myopathy. Identifiers: Orphanet 289377, MedGen C2673677, MONDO:0012714, OMIM 611705. Disease mechanism: loss of function.
Autosomal recessive limb-girdle muscular dystrophy type 2J (LGMDR10). Also called: MUSCULAR DYSTROPHY, LIMB-GIRDLE, AUTOSOMAL RECESSIVE 10; Limb-girdle muscular dystrophy, type 2J. Identifiers: Orphanet 140922, MedGen C1837342, MONDO:0012127, OMIM 608807.
Hypertrophic cardiomyopathy 9. Also called: Familial hypertrophic cardiomyopathy 9. Identifiers: MedGen C1861065, MONDO:0013412, OMIM 613765.
Myopathy, myofibrillar, 9, with early respiratory failure (MFM9). Also called: Myopathy, distal, with early respiratory failure, autosomal dominant; Hereditary myopathy with early respiratory failure; EDSTROM MYOPATHY; MYOPATHY, PROXIMAL, WITH EARLY RESPIRATORY MUSCLE INVOLVEMENT. Identifiers: Orphanet 178464, Orphanet 34521, MedGen C1863599, MONDO:0011362, OMIM 603689.
Tibial muscular dystrophy (TMD). Also called: Tibial muscular dystrophy, tardive; Udd Distal Myopathy – Tibial Muscular Dystrophy; UDD MYOPATHY. Identifiers: Orphanet 609, MedGen C1838244, MONDO:0010870, OMIM 600334.
Dilated cardiomyopathy 1G (CMD1G). Identifiers: Orphanet 154, MedGen C1858763, MONDO:0011400, OMIM 604145.

Allele frequency attached by ClinVar (database versions not stated): TOPMed 0.00057; 1000 Genomes Project 30x 0.00016; 1000 Genomes Project 0.00020; gnomAD 0.00041 and 0.00042; ExAC 0.00059; gnomAD exomes 0.00080; ESP Exome Variant Server 0.00046.
gnomAD v4.1: 707 of 1,613,206 alleles (0.044%); highest among the groups gnomAD compares: Middle Eastern, 0.066%; 3 homozygotes.

Submissions (9):

CeGaT Center for Human Genetics Tuebingen
Classification: Likely benign. Last evaluated: 2026-08-01. Review status: criteria provided, single submitter. Criteria: CeGaT Center For Human Genetics Tuebingen Variant Classification Criteria Version 2. Collection method: clinical testing. Allele origin: germline. Affected: yes. Observed: 40 variant alleles.
Comment: TTN: BP4, BP7

Blueprint Genetics
Classification: Likely benign. Last evaluated: 2024-11-22. Review status: criteria provided, single submitter. Criteria: ACMG Guidelines, 2015. Collection method: clinical testing. Allele origin: germline.

Fulgent Genetics
Classification: Likely benign for Tibial muscular dystrophy; Myopathy, myofibrillar, 9, with early respiratory failure; Dilated cardiomyopathy 1G; Autosomal recessive limb-girdle muscular dystrophy type 2J; Early-onset myopathy with fatal cardiomyopathy; Hypertrophic cardiomyopathy 9. Last evaluated: 2021-08-18. Review status: criteria provided, single submitter. Criteria: ACMG Guidelines, 2015. Collection method: clinical testing. Allele origin: unknown.

Eurofins Ntd Llc (ga)
Classification: Likely benign. Last evaluated: 2017-03-23. Review status: criteria provided, single submitter. Criteria: EGL Classification Definitions 2015. Collection method: clinical testing. Allele origin: germline. Observed: 1 variant allele, 1 heterozygote.

GeneDx
Classification: Benign. Last evaluated: 2015-08-27. Review status: criteria provided, single submitter. Criteria: GeneDx Variant Classification (06012015). Collection method: clinical testing. Allele origin: germline. Affected: yes.
Comment: This variant is considered likely benign or benign based on one or more of the following criteria: it is a conservative change, it occurs at a poorly conserved position in the protein, it is predicted to be benign by multiple in silico algorithms, and/or has population frequency not consistent with disease.

Laboratory for Molecular Medicine, Mass General Brigham Personalized Medicine
Classification: Likely benign. Last evaluated: 2012-07-24. Review status: criteria provided, single submitter. Criteria: LMM Criteria. Collection method: clinical testing. Allele origin: germline. Observed: 2 variant alleles.
Comment: His3539His in exon 45A of TTN: This variant is not expected to have clinical sig nificance because it does not alter an amino acid residue and is not located wit hin the splice consensus sequence. It has been identified in 0.1% (6/7020) of Eu ropean American chromosomes from a broad population by the NHLBI Exome Sequencin g Project. His3539His in exon 45A of TTN (al lele frequency = 0.1%, 6/7020) **

PreventionGenetics, part of Exact Sciences
Classification: Benign for TTN-related condition. Last evaluated: 2024-02-20. Review status: no assertion criteria provided. Collection method: clinical testing. Allele origin: germline. Not counted in ClinVar's aggregate classification.
Comment: This variant is classified as benign based on ACMG/AMP sequence variant interpretation guidelines (Richards et al. 2015 PMID: 25741868, with internal and published modifications).

Clinical Genetics DNA and cytogenetics Diagnostics Lab, Erasmus MC, Erasmus Medical Center
Classification: Likely benign. Review status: no assertion criteria provided. Collection method: clinical testing. Allele origin: germline. Affected: yes. Study: VKGL Data-share Consensus. Not counted in ClinVar's aggregate classification.

Clinical Genetics, Academic Medical Center
Classification: Benign. Review status: no assertion criteria provided. Collection method: clinical testing. Allele origin: germline. Affected: yes. Study: VKGL Data-share Consensus. Not counted in ClinVar's aggregate classification.

NM_133379.5(TTN):c.10617T>C (p.His3539=)

Gene: TTN (titin; minus strand). Cytogenetic location: 2q31.2.
Variant type: single nucleotide variant.
Coding change: c.10617T>C on transcript NM_133379.5; coding-DNA position 10617, T replaced by C.
Protein change: p.His3539=; no amino-acid change (histidine 3539 retained).
Molecular consequence: synonymous variant. On other transcripts: intron variant (6).
Genome position (GRCh38, 1-based): chr2:178,751,783, A>G on the plus strand (T>C on the coding strand, the complement: TTN is on the minus strand). VCF-style: chr2-178751783-A-G. GRCh37 (hg19) VCF-style: chr2-179616510-A-G.
Other names: c.10360+1341T>C (NM_001256850.1, NM_133378.4); c.10222+1341T>C (NM_003319.4); c.10798+1341T>C (NM_133437.4); c.10597+1341T>C (NM_133432.3); c.11311+1341T>C (NM_001267550.2); c.10617T>C (NM_133379.4).
Identifiers: ClinVar variation 47728 (VCV000047728.49), dbSNP rs200284932, ClinGen allele CA141792.